The following is an entry in ClinVar:

NM_000245.4(MET):c.3106A>C (p.Thr1036Pro)

Gene: MET (MET proto-oncogene, receptor tyrosine kinase; plus strand). Cytogenetic location: 7q31.2.
Variant type: single nucleotide variant.
Coding change: c.3106A>C on transcript NM_000245.4 (MANE Select); coding-DNA position 3106, A replaced by C.
Protein change: p.Thr1036Pro; replaces threonine 1036 with proline.
Molecular consequence: missense variant.
Genome position (GRCh38, 1-based): chr7:116,774,958, A>C. VCF-style: chr7-116774958-A-C. GRCh37 (hg19) VCF-style: chr7-116415012-A-C.
Other names: c.3160A>C, p.Thr1054Pro (NM_001127500.3); c.1816A>C, p.Thr606Pro (NM_001324402.2); short protein forms T1036P, T1054P, T606P.
Identifiers: ClinVar variation 4859945 (VCV004859945.1).
Genomic context (GRCh38, chr7:116,774,958, plus strand): 5'-TCTCAGAACGGTTCATGCCGACAAGTGCAGTATCCTCTGACAGACATGTCCCCCATCCTA[A>C]CTAGTGGGGACTCTGATATATCCAGTCCATTACTGCAAAATACTGTCCACATTGACCTCA-3'
Protein context (NP_000236.2, residues 1026-1046): YPLTDMSPIL[Thr1036Pro]SGDSDISSPL

ClinVar aggregate classification (germline): Uncertain significance (1 of 4 stars; one submission).

Conditions:
Hereditary cancer-predisposing syndrome. Also called: Neoplastic Syndromes, Hereditary; Tumor predisposition; Hereditary Cancer Syndrome; Hereditary neoplastic syndrome. Identifiers: Orphanet 140162, MedGen C0027672, MeSH D009386, MONDO:0015356.

Submission:

Ambry Genetics
Classification: Uncertain significance for Hereditary cancer-predisposing syndrome. Last evaluated: 2026-03-15. Review status: criteria provided, single submitter. Criteria: Ambry Variant Classification Scheme 2023. Collection method: clinical testing. Allele origin: germline.
Comment: The p.T1054P variant (also known as c.3160A>C), located in coding exon 14 of the MET gene, results from an A to C substitution at nucleotide position 3160. The threonine at codon 1054 is replaced by proline, an amino acid with highly similar properties. This amino acid position is conserved. In addition, this alteration is predicted to be tolerated by in silico analysis. Based on the available evidence, the clinical significance of this variant remains unclear.